The following is an entry in ClinVar:

ClinVar aggregate classification (germline): Pathogenic (1 of 4 stars; one submission).

Conditions:
Familial cancer of breast. Also called: hereditary breast carcinoma; Hereditary breast cancer; BREAST CANCER, FAMILIAL. Identifiers: Orphanet 227535, MedGen C0346153, MONDO:0016419, OMIM 114480. Disease mechanism: loss of function.

Submission:

Labcorp Genetics (formerly Invitae), Labcorp
Classification: Pathogenic for Familial cancer of breast. Last evaluated: 2025-07-31. Review status: criteria provided, single submitter. Criteria: Invitae Variant Classification Sherloc (09022015). Collection method: clinical testing. Allele origin: germline.
Comment: This sequence change creates a premature translational stop signal (p.Val1059Serfs*8) in the PALB2 gene. It is expected to result in an absent or disrupted protein product. Loss-of-function variants in PALB2 are known to be pathogenic (PMID: 17200668, 17200671, 17200672, 24136930, 25099575). This variant is not present in population databases (gnomAD no frequency). This variant has not been reported in the literature in individuals affected with PALB2-related conditions. ClinVar contains an entry for this variant (Variation ID: 2697240). Algorithms developed to predict the effect of sequence changes on RNA splicing suggest that this variant may disrupt the consensus splice site. For these reasons, this variant has been classified as Pathogenic.

Literature cited by the submitters: PubMed 17200668; PubMed 17200671; PubMed 17200672; PubMed 24136930; PubMed 25099575.

NM_024675.4(PALB2):c.3174dup (p.Val1059fs)

Gene: PALB2 (partner and localizer of BRCA2; minus strand). Cytogenetic location: 16p12.2.
Variant type: Duplication.
Coding change: c.3174dup on transcript NM_024675.4 (MANE Select); coding-DNA position 3174, one base duplicated (A; older notation c.3174dupA).
Protein change: p.Val1059fs; shifts the reading frame from valine 1059.
Molecular consequence: frameshift variant. On other transcripts: intron variant (3).
Genome position (GRCh38, 1-based): chr16:23,614,031, T duplicated on the plus strand (A on the coding strand, the reverse complement: PALB2 is on the minus strand). VCF-style (leftmost placement, unchanged base first): chr16-23614030-C-CT. GRCh37 (hg19) VCF-style: chr16-23625351-C-CT.
Other names: c.3114dup, p.Val1039fs (NM_001407296.1); c.3102dup, p.Val1035fs (NM_001407297.1); c.3012dup, p.Val1005fs (NM_001407298.1, NM_001407302.1); c.2895dup, p.Val966fs (NM_001407300.1); c.3174dup, p.Val1059fs (NM_001407301.1); c.2289dup, p.Val764fs (NM_001407304.1, NM_001407305.1, NM_001407306.1 and 2 more transcripts); c.2127dup, p.Val710fs (NM_001407307.1); c.1386dup, p.Val463fs (NM_001407312.1, NM_001407313.1); and 3 more; short protein forms V237fs, V764fs, V1059fs, V463fs, V710fs, V1005fs, V1035fs, V1039fs.
Identifiers: ClinVar variation 2697240 (VCV002697240.3), dbSNP rs2506265249, ClinGen allele CA2697555736.